The following is an entry in ClinVar:

NM_001130009.3(GEN1):c.1207G>T (p.Val403Phe)

Gene: GEN1 (GEN1 structure-specific endonuclease; plus strand). Cytogenetic location: 2p24.2.
Variant type: single nucleotide variant.
Coding change: c.1207G>T on transcript NM_001130009.3 (MANE Select); coding-DNA position 1207, G replaced by T.
Protein change: p.Val403Phe; replaces valine 403 with phenylalanine.
Molecular consequence: missense variant.
Genome position (GRCh38, 1-based): chr2:17,778,006, G>T. VCF-style: chr2-17778006-G-T. GRCh37 (hg19) VCF-style: chr2-17959273-G-T.
Other names: c.1207G>T (NM_001130009.1); c.1207G>T, p.Val403Phe (NM_182625.5); short protein forms V403F.
Identifiers: ClinVar variation 1466740 (VCV001466740.9), dbSNP rs1204822002, ClinGen allele CA345921907.

ClinVar aggregate classification (germline): Uncertain significance. Review status: criteria provided, multiple submitters, no conflicts (2 of 4 stars). 2 submissions from 2 submitters: Uncertain significance (2). Last evaluated 2025-04-04.

Submissions (2):

Ambry Genetics
Classification: Uncertain significance. Last evaluated: 2025-04-04. Review status: criteria provided, single submitter. Criteria: Ambry Variant Classification Scheme 2023. Collection method: clinical testing. Allele origin: germline.
Comment: The p.V403F variant (also known as c.1207G>T), located in coding exon 11 of the GEN1 gene, results from a G to T substitution at nucleotide position 1207. The valine at codon 403 is replaced by phenylalanine, an amino acid with highly similar properties. This amino acid position is conserved. In addition, this alteration is predicted to be tolerated by in silico analysis. Based on the available evidence, the clinical significance of this variant remains unclear.

Labcorp Genetics (formerly Invitae), Labcorp
Classification: Uncertain significance. Last evaluated: 2020-11-13. Review status: criteria provided, single submitter. Criteria: Invitae Variant Classification Sherloc (09022015). Collection method: clinical testing. Allele origin: germline.
Comment: This variant is not present in population databases (ExAC no frequency). This variant has not been reported in the literature in individuals with GEN1-related conditions. Algorithms developed to predict the effect of missense changes on protein structure and function are either unavailable or do not agree on the potential impact of this missense change (SIFT: "Deleterious"; PolyPhen-2: "Benign"; Align-GVGD: "Class C0"). In summary, the available evidence is currently insufficient to determine the role of this variant in disease. Therefore, it has been classified as a Variant of Uncertain Significance. This sequence change replaces valine with phenylalanine at codon 403 of the GEN1 protein (p.Val403Phe). The valine residue is moderately conserved and there is a small physicochemical difference between valine and phenylalanine.